The following is an entry in ClinVar:

NM_017813.5(BPNT2):c.1054G>C (p.Asp352His)

Gene: BPNT2 (3'(2'), 5'-bisphosphate nucleotidase 2; minus strand). Cytogenetic location: 8q12.1.
Variant type: single nucleotide variant.
Coding change: c.1054G>C on transcript NM_017813.5 (MANE Select); coding-DNA position 1054, G replaced by C.
Protein change: p.Asp352His; replaces aspartic acid 352 with histidine.
Molecular consequence: missense variant.
Genome position (GRCh38, 1-based): chr8:56,963,819, C>G on the plus strand (G>C on the coding strand, the complement: BPNT2 is on the minus strand). VCF-style: chr8-56963819-C-G. GRCh37 (hg19) VCF-style: chr8-57876378-C-G.
Other names: short protein forms D352H.
Identifiers: ClinVar variation 2182488 (VCV002182488.3), dbSNP rs560353101, ClinGen allele CA4755751.
Genomic context (GRCh38, chr8:56,963,819, plus strand): 5'-GCTGTGAAGAACTGTACCCTGTAATCAGTTATGCTCATTTATGTCCTGTCTTTTCTAGAT[C>G]TGGGAGTTTTCTGACCAGGGCCTGGTGGTTCATTCTGATGCTAGCAAGGAGTCCCCCTTC-3'
Protein context (NP_060283.3, residues 342-359): NHQALVRKLP[Asp352His]LEKTGHK

ClinVar aggregate classification (germline): Uncertain significance (1 of 4 stars; one submission).

Allele frequency attached by ClinVar (database versions not stated): TOPMed 0.00001; gnomAD 0.00002; 1000 Genomes Project 30x 0.00016; ExAC 0.00019; 1000 Genomes Project 0.00020.
gnomAD v4.1: 150 of 1,614,180 alleles (0.0093%); highest among the groups gnomAD compares: South Asian, 0.16%; 3 homozygotes.

Submission:

Labcorp Genetics (formerly Invitae), Labcorp
Classification: Uncertain significance. Last evaluated: 2024-03-13. Review status: criteria provided, single submitter. Criteria: Invitae Variant Classification Sherloc (09022015). Collection method: clinical testing. Allele origin: germline.
Comment: This sequence change replaces aspartic acid, which is acidic and polar, with histidine, which is basic and polar, at codon 352 of the IMPAD1 protein (p.Asp352His). This variant is present in population databases (rs560353101, gnomAD 0.2%). This variant has not been reported in the literature in individuals affected with IMPAD1-related conditions. ClinVar contains an entry for this variant (Variation ID: 2182488). An algorithm developed to predict the effect of missense changes on protein structure and function (PolyPhen-2) suggests that this variant is likely to be disruptive. In summary, the available evidence is currently insufficient to determine the role of this variant in disease. Therefore, it has been classified as a Variant of Uncertain Significance.